The following is an entry in ClinVar:

ClinVar aggregate classification (germline): Likely benign. Review status: criteria provided, multiple submitters, no conflicts (2 of 4 stars). 6 submissions from 5 submitters: Likely benign (6). Last evaluated 2026-01-16.

Conditions:
USH2A-related disorder. Also called: USH2A-related condition; USH2A-related disorders. Identifiers: MedGen CN239332.
Retinitis pigmentosa 39 (RP39). Identifiers: Orphanet 791, MedGen C3151138, MONDO:0013436, OMIM 613809.
Usher syndrome type 2A. Also called: USHER SYNDROME, TYPE IIA; RETINAL DISEASE IN USHER SYNDROME TYPE IIA, MODIFIER OF. Identifiers: Orphanet 231178, Orphanet 886, MedGen C1848634, MONDO:0010169, OMIM 276901.

Allele frequency attached by ClinVar (database versions not stated): gnomAD 0.00011 and 0.00012; ExAC 0.00003; TOPMed 0.00007; ESP Exome Variant Server 0.00008.
gnomAD v4.1: 37 of 1,613,912 alleles (0.0023%); highest among the groups gnomAD compares: African/African-American, 0.028%; no homozygotes.

Submissions (6):

Labcorp Genetics (formerly Invitae), Labcorp
Classification: Likely benign. Last evaluated: 2026-01-16. Review status: criteria provided, single submitter. Criteria: Invitae Variant Classification Sherloc (09022015). Collection method: clinical testing. Allele origin: germline.

PreventionGenetics, part of Exact Sciences
Classification: Likely benign for USH2A-related condition. Last evaluated: 2024-10-18. Review status: criteria provided, single submitter. Criteria: ACMG Guidelines, 2015. Collection method: clinical testing. Allele origin: germline.
Comment: This variant is classified as likely benign based on ACMG/AMP sequence variant interpretation guidelines (Richards et al. 2015 PMID: 25741868, with internal and published modifications).

Genome-Nilou Lab
Classification: Likely benign for Retinitis pigmentosa 39. Last evaluated: 2023-11-04. Review status: criteria provided, single submitter. Criteria: ACMG Guidelines, 2015. Collection method: clinical testing. Allele origin: germline. Affected: no.

Genome-Nilou Lab
Classification: Likely benign for Usher syndrome type 2A. Last evaluated: 2023-11-04. Review status: criteria provided, single submitter. Criteria: ACMG Guidelines, 2015. Collection method: clinical testing. Allele origin: germline. Affected: no.

Blueprint Genetics
Classification: Likely benign. Last evaluated: 2021-06-17. Review status: criteria provided, single submitter. Criteria: ACMG Guidelines, 2015. Collection method: clinical testing. Allele origin: germline.

Laboratory for Molecular Medicine, Mass General Brigham Personalized Medicine
Classification: Likely benign. Last evaluated: 2017-01-13. Review status: criteria provided, single submitter. Criteria: LMM Criteria. Collection method: clinical testing. Allele origin: germline. Observed: 1 variant allele.
Comment: p.Thr2819Thr in Exon 42 of USH2A: This variant is not expected to have clinical significance because it does not alter an amino acid residue, is not located wit hin the splice consensus sequence, and has been identified in 4/10406 African ch romosomes by the Exome Aggregation Consortium (ExAC. org; dbSNP rs369778429).

NM_206933.4(USH2A):c.8457C>T (p.Thr2819=)

Gene: USH2A (usherin; minus strand). Cytogenetic location: 1q41.
Variant type: single nucleotide variant.
Coding change: c.8457C>T on transcript NM_206933.4 (MANE Select); coding-DNA position 8457, C replaced by T.
Protein change: p.Thr2819=; no amino-acid change (threonine 2819 retained).
Molecular consequence: synonymous variant.
Genome position (GRCh38, 1-based): chr1:215,878,865, G>A on the plus strand (C>T on the coding strand, the complement: USH2A is on the minus strand). VCF-style: chr1-215878865-G-A. GRCh37 (hg19) VCF-style: chr1-216052207-G-A.
Identifiers: ClinVar variation 504703 (VCV000504703.18), dbSNP rs369778429, ClinGen allele CA1394603.
Genomic context (GRCh38, chr1:215,878,865, plus strand): 5'-AATCACAACATATGATTCACTTAGTGGAATCACAGACAATGGGCCAACATTCTGAGGTAC[G>A]GTGGGGTGAGTGGTAACATAGGTAGGTAAACTCTCTGTGCACCCTCCAAGGTACCCATTA-3'
Protein context (NP_996816.3, residues 2809-2829): SLPTYVTTHP[Thr2819=]VPQNVGPLSV